The following is an entry in ClinVar:

ClinVar aggregate classification (germline): Pathogenic (1 of 4 stars; one submission).

Conditions:
Ataxia-telangiectasia syndrome (AT). Also called: Ataxia-telangiectasia; Cerebello-oculocutaneous telangiectasia; Immunodeficiency with ataxia telangiectasia; ATAXIA-TELANGIECTASIA, COMPLEMENTATION GROUP A; ATAXIA-TELANGIECTASIA, FRESNO VARIANT; Ataxia-telangiectasia, complementation group D. Identifiers: Orphanet 100, MedGen C0004135, MONDO:0008840, OMIM 208900.

Submission:

Labcorp Genetics (formerly Invitae), Labcorp
Classification: Pathogenic for Ataxia-telangiectasia syndrome. Last evaluated: 2016-07-24. Review status: criteria provided, single submitter. Criteria: Invitae Variant Classification Sherloc (09022015). Collection method: clinical testing. Allele origin: germline.
Comment: This variant is a gross deletion of the genomic region encompassing exons 57-63 of the ATM gene. The 5' boundary is likely confined to intron 56. The 3' end of this event is unknown as it extends through the termination codon beyond the assayed region for this gene and may encompass additional genes. While this deletion is not anticipated to result in nonsense mediated decay, it is expected to create a truncated ATM protein. While this particular variant has not been reported in the literature, gross deletions and loss-of-function variants in ATM are known to be pathogenic (PMID: 25614872, 23807571). Multiple missense substitutions in exons 57-63 have been determined to be pathogenic (PMID: 19431188, 10873394,12552566). This suggests that the this region is critical for proper ATM kinase function. For these reasons, this variant has been classified as Likely Pathogenic.

NC_000011.10:g.(?_108343222)_(108369099_?)del

Genes: ATM (ATM serine/threonine kinase; plus strand), C11orf65 (chromosome 11 open reading frame 65; minus strand). Cytogenetic location: 11q22.3.
Variant type: Deletion.
Identifiers: ClinVar variation 417406 (VCV000417406.1).